The following is an entry in ClinVar:

NM_000548.5(TSC2):c.1593C>G (p.Ile531Met)

Gene: TSC2 (TSC complex subunit 2; plus strand). Cytogenetic location: 16p13.3.
Variant type: single nucleotide variant.
Coding change: c.1593C>G on transcript NM_000548.5 (MANE Select); coding-DNA position 1593, C replaced by G.
Protein change: p.Ile531Met; replaces isoleucine 531 with methionine.
Molecular consequence: missense variant.
Genome position (GRCh38, 1-based): chr16:2,064,421, C>G. VCF-style: chr16-2064421-C-G. GRCh37 (hg19) VCF-style: chr16-2114422-C-G.
Other names: c.1593C>G, p.Ile531Met (NM_001077183.3, NM_001114382.3, NM_001363528.2 and 3 more transcripts); c.1482C>G, p.Ile494Met (NM_001318827.2); c.1446C>G, p.Ile482Met (NM_001318829.2); c.993C>G, p.Ile331Met (NM_001318831.2); c.1626C>G, p.Ile542Met (NM_001318832.2); short protein forms I531M, I331M, I482M, I542M, I494M.
Identifiers: ClinVar variation 421682 (VCV000421682.15), dbSNP rs45517180, ClinGen allele CA16620088.

ClinVar aggregate classification (germline): Conflicting classifications of pathogenicity. Review status: criteria provided, conflicting classifications (1 of 4 stars). 5 submissions from 5 submitters: Uncertain significance (2); Benign (1); Likely benign (2). Last evaluated 2025-11-11.

Conditions:
Tuberous sclerosis syndrome (TSC). Also called: Tuberous sclerosis; Tuberous Sclerosis Complex. Identifiers: Orphanet 805, MedGen C0041341, MONDO:0001734.
Hereditary cancer-predisposing syndrome. Also called: Hereditary neoplastic syndrome; Hereditary Cancer Syndrome; Neoplastic Syndromes, Hereditary; Tumor predisposition. Identifiers: Orphanet 140162, MedGen C0027672, MeSH D009386, MONDO:0015356.
Tuberous sclerosis 2 (TSC2). Identifiers: Orphanet 805, MedGen C1860707, MONDO:0013199, OMIM 613254.

gnomAD v4.1: 4 of 1,613,510 alleles (0.00025%); highest among the groups gnomAD compares: African/African-American, 0.0013%; no homozygotes.

Submissions (5):

Ambry Genetics
Classification: Uncertain significance for Hereditary cancer-predisposing syndrome. Last evaluated: 2025-11-11. Review status: criteria provided, single submitter. Criteria: Ambry Variant Classification Scheme 2023. Collection method: clinical testing. Allele origin: germline.
Comment: The p.I531M variant (also known as c.1593C>G), located in coding exon 14 of the TSC2 gene, results from a C to G substitution at nucleotide position 1593. The isoleucine at codon 531 is replaced by methionine, an amino acid with highly similar properties. This amino acid position is well conserved in available vertebrate species. In addition, the in silico prediction for this alteration is inconclusive. Since supporting evidence is limited at this time, the clinical significance of this alteration remains unclear.

Color Diagnostics, LLC DBA Color Health
Classification: Uncertain significance for Tuberous sclerosis syndrome. Last evaluated: 2025-08-20. Review status: criteria provided, single submitter. Criteria: ACMG Guidelines, 2015. Collection method: clinical testing. Allele origin: germline.
Comment: This missense variant replaces isoleucine with methionine at codon 531 of the TSC2 protein. Computational prediction suggests that this variant may not impact protein structure and function. To our knowledge, functional studies have not been reported for this variant. This variant has not been reported in individuals affected with tuberous sclerosis complex in the literature. This variant has not been identified in the general population by the Genome Aggregation Database (gnomAD). The available evidence is insufficient to determine the role of this variant in disease conclusively. Therefore, this variant is classified as a Variant of Uncertain Significance.

Labcorp Genetics (formerly Invitae), Labcorp
Classification: Benign for Tuberous sclerosis 2. Last evaluated: 2025-07-21. Review status: criteria provided, single submitter. Criteria: Invitae Variant Classification Sherloc (09022015). Collection method: clinical testing. Allele origin: germline.

Genome-Nilou Lab
Classification: Likely benign for Tuberous sclerosis 2. Last evaluated: 2021-11-07. Review status: criteria provided, single submitter. Criteria: ACMG Guidelines, 2015. Collection method: clinical testing. Allele origin: germline. Affected: no.

GeneDx
Classification: Likely benign. Last evaluated: 2017-05-22. Review status: criteria provided, single submitter. Criteria: GeneDx Variant Classification Process June 2021. Collection method: clinical testing. Allele origin: germline. Affected: yes.